The following is an entry in ClinVar:

ClinVar aggregate classification (germline): Likely benign (1 of 4 stars; one submission).

Submission:

CeGaT Center for Human Genetics Tuebingen
Classification: Likely benign. Last evaluated: 2026-10-01. Review status: criteria provided, single submitter. Criteria: CeGaT Center For Human Genetics Tuebingen Variant Classification Criteria Version 2. Collection method: clinical testing. Allele origin: germline. Affected: yes. Observed: 1 variant allele.
Comment: KDM4B: BP4, BP7

NM_015015.3(KDM4B):c.1773C>T (p.Ala591=)

Genes: KDM4B (lysine demethylase 4B; plus strand), LOC130063244 (ATAC-STARR-seq lymphoblastoid active region 13796; plus strand). Cytogenetic location: 19p13.3.
Variant type: single nucleotide variant.
Coding change: c.1773C>T on transcript NM_015015.3 (MANE Select); coding-DNA position 1773, C replaced by T.
Protein change: p.Ala591=; no amino-acid change (alanine 591 retained).
Molecular consequence: synonymous variant.
Genome position (GRCh38, 1-based): chr19:5,131,533, C>T. VCF-style: chr19-5131533-C-T. GRCh37 (hg19) VCF-style: chr19-5131544-C-T.
Other names: c.1875C>T, p.Ala625= (NM_001411148.1).
Identifiers: ClinVar variation 5040913 (VCV005040913.1).